The following is an entry in ClinVar:

ClinVar aggregate classification (germline): Uncertain significance (1 of 4 stars; one submission).

Allele frequency attached by ClinVar (database versions not stated): TOPMed 0.00001.
gnomAD v4.1: 1 of 1,202,880 alleles (0.000083%); no homozygotes.

Submission:

Labcorp Genetics (formerly Invitae), Labcorp
Classification: Uncertain significance. Last evaluated: 2022-05-17. Review status: criteria provided, single submitter. Criteria: Invitae Variant Classification Sherloc (09022015). Collection method: clinical testing. Allele origin: germline.
Comment: This sequence change replaces histidine, which is basic and polar, with arginine, which is basic and polar, at codon 1884 of the CACNA1F protein (p.His1884Arg). This variant is not present in population databases (gnomAD no frequency). This variant has not been reported in the literature in individuals affected with CACNA1F-related conditions. Algorithms developed to predict the effect of missense changes on protein structure and function output the following: SIFT: "Tolerated"; PolyPhen-2: "Benign"; Align-GVGD: "Class C0". The arginine amino acid residue is found in multiple mammalian species, which suggests that this missense change does not adversely affect protein function. In summary, the available evidence is currently insufficient to determine the role of this variant in disease. Therefore, it has been classified as a Variant of Uncertain Significance.

NM_001256789.3(CACNA1F):c.5618A>G (p.His1873Arg)

Gene: CACNA1F (calcium voltage-gated channel subunit alpha1 F; minus strand). Cytogenetic location: Xp11.23.
Variant type: single nucleotide variant.
Coding change: c.5618A>G on transcript NM_001256789.3 (MANE Select); coding-DNA position 5618, A replaced by G.
Protein change: p.His1873Arg; replaces histidine 1873 with arginine.
Molecular consequence: missense variant.
Genome position (GRCh38, 1-based): chrX:49,205,668, T>C on the plus strand (A>G on the coding strand, the complement: CACNA1F is on the minus strand). VCF-style: chrX-49205668-T-C. GRCh37 (hg19) VCF-style: chrX-49062128-T-C.
Other names: c.5456A>G, p.His1819Arg (NM_001256790.3); c.5651A>G, p.His1884Arg (NM_005183.4); short protein forms H1819R, H1873R, H1884R.
Identifiers: ClinVar variation 1902667 (VCV001902667.5), dbSNP rs2065587174, ClinGen allele CA412956961.